The following is an entry in ClinVar:

NM_001292063.2(OTOG):c.2543T>G (p.Ile848Ser)

Gene: OTOG (otogelin; plus strand). Cytogenetic location: 11p15.1.
Variant type: single nucleotide variant.
Coding change: c.2543T>G on transcript NM_001292063.2 (MANE Select); coding-DNA position 2543, T replaced by G.
Protein change: p.Ile848Ser; replaces isoleucine 848 with serine.
Molecular consequence: missense variant.
Genome position (GRCh38, 1-based): chr11:17,576,612, T>G. VCF-style: chr11-17576612-T-G. GRCh37 (hg19) VCF-style: chr11-17598159-T-G.
Other names: c.2579T>G, p.Ile860Ser (NM_001277269.2); short protein forms I848S, I860S.
Identifiers: ClinVar variation 3364137 (VCV003364137.2).
Genomic context (GRCh38, chr11:17,576,612, plus strand): 5'-ATAGGAACCAGTGCTCCTGCCACTTCCAGGGAGTGGACTATCCCCCCGGAGACAGTGACA[T>G]CCCATCCCTGGGCCACTGGTGAGCTCCGTAGGTAGCAGCCTTCTTGTCCTCTCTTTAAAG-3'
Protein context (NP_001278992.1, residues 838-858): GVDYPPGDSD[Ile848Ser]PSLGHCHCKD

ClinVar aggregate classification (germline): Uncertain significance. Review status: criteria provided, multiple submitters, no conflicts (2 of 4 stars). 2 submissions from 2 submitters: Uncertain significance (2). Last evaluated 2024-10-14.

gnomAD v4.1: 13 of 1,550,332 alleles (0.00084%); highest among the groups gnomAD compares: Non-Finnish European, 0.0011%; no homozygotes.

Submissions (2):

Blueprint Genetics
Classification: Uncertain significance. Last evaluated: 2024-10-14. Review status: criteria provided, single submitter. Criteria: ACMG Guidelines, 2015. Collection method: clinical testing. Allele origin: germline.

GeneDx
Classification: Uncertain significance. Last evaluated: 2023-11-14. Review status: criteria provided, single submitter. Criteria: GeneDx Variant Classification Process June 2021. Collection method: clinical testing. Allele origin: germline. Affected: yes.
Comment: Not observed at significant frequency in large population cohorts (gnomAD); In silico analysis supports that this missense variant does not alter protein structure/function; Has not been previously published as pathogenic or benign to our knowledge